The following is an entry in ClinVar:

ClinVar aggregate classification (germline): Benign/Likely benign. Review status: criteria provided, multiple submitters, no conflicts (2 of 4 stars). 3 submissions from 3 submitters: Benign (1); Likely benign (1). 1 of the submissions does not count toward it. Last evaluated 2026-01-28.

Conditions:
Neonatal-onset encephalopathy with rigidity and seizures. Also called: Lethal neonatal spasticity-epileptic encephalopathy syndrome. Identifiers: Orphanet 435845, MedGen C3281029, MONDO:0013784, OMIM 614498.
BRAT1-related disorder. Also called: BRAT1-related disorders; BRAT1-related condition.

Allele frequency attached by ClinVar (database versions not stated): gnomAD exomes 0.00008 and 0.00028; ExAC 0.00037; ESP Exome Variant Server 0.00092; 1000 Genomes Project 30x 0.00094; gnomAD 0.00094 and 0.00099; 1000 Genomes Project 0.00100; TOPMed 0.00104.
gnomAD v4.1: 265 of 1,613,902 alleles (0.016%); highest among the groups gnomAD compares: African/African-American, 0.32%; 1 homozygote.

Submissions (3):

Labcorp Genetics (formerly Invitae), Labcorp
Classification: Benign for Neonatal-onset encephalopathy with rigidity and seizures. Last evaluated: 2026-01-28. Review status: criteria provided, single submitter. Criteria: Invitae Variant Classification Sherloc (09022015). Collection method: clinical testing. Allele origin: germline.

Blueprint Genetics
Classification: Likely benign. Last evaluated: 2024-10-02. Review status: criteria provided, single submitter. Criteria: ACMG Guidelines, 2015. Collection method: clinical testing. Allele origin: germline.

PreventionGenetics, part of Exact Sciences
Classification: Likely benign for BRAT1-related condition. Last evaluated: 2020-02-17. Review status: no assertion criteria provided. Collection method: clinical testing. Allele origin: germline. Not counted in ClinVar's aggregate classification.
Comment: This variant is classified as likely benign based on ACMG/AMP sequence variant interpretation guidelines (Richards et al. 2015 PMID: 25741868, with internal and published modifications).

NM_152743.4(BRAT1):c.282+9G>A

Gene: BRAT1 (BRCA1 associated ATM activator 1; minus strand). Cytogenetic location: 7p22.3.
Variant type: single nucleotide variant.
Coding change: c.282+9G>A on transcript NM_152743.4 (MANE Select); 9 bases into the intron after coding-DNA position 282, G replaced by A.
Molecular consequence: intron variant.
Genome position (GRCh38, 1-based): chr7:2,547,315, C>T on the plus strand (G>A on the coding strand, the complement: BRAT1 is on the minus strand). VCF-style: chr7-2547315-C-T. GRCh37 (hg19) VCF-style: chr7-2586949-C-T.
Other names: c.-96+9G>A (NM_001350627.2); c.282+9G>A (NM_001350626.2).
Identifiers: ClinVar variation 472966 (VCV000472966.15), dbSNP rs192133446, ClinGen allele CA4128265.
Genomic context (GRCh38, chr7:2,547,315, plus strand): 5'-ACCTGGCTGCGGGAGGAAAAGCCTGCCCACCTCTCCACGGGACACTCAGGTGGGAGGCCC[C>T]AGGCTCACCTGAAGATACTGGAAGCAGTTTTCCTGGGCTGCGAAGGTTCCTGCCAGGCGC-3'